The following is an entry in ClinVar:

ClinVar aggregate classification (germline): Uncertain significance (1 of 4 stars; one submission).

Submission:

GeneDx
Classification: Uncertain significance. Last evaluated: 2016-12-13. Review status: criteria provided, single submitter. Criteria: GeneDx Variant Classification (06012015). Collection method: clinical testing. Allele origin: germline. Affected: yes.
Comment: A variant of uncertain significance has been identified in the LAMA4 gene. The N354K variant has not been published as a pathogenic variant, nor has it been reported as a benign variant to our knowledge. This variant was not observed in approximately 6,500 individuals of European and African American ancestry in the NHLBI Exome Sequencing Project, indicating it is not a common benign variant in these populations. The N354K variant is a semi-conservative amino acid substitution, which may impact secondary protein structure as these residues differ in some properties. However, this substitution occurs at a position where amino acids with similar properties to Asparagine are tolerated across species. Finally, in silico analysis predicts this variant likely does not alter the protein structure/function.

NM_001105206.3(LAMA4):c.1083T>A (p.Asn361Lys)

Gene: LAMA4 (laminin subunit alpha 4; minus strand). Cytogenetic location: 6q21.
Variant type: single nucleotide variant.
Coding change: c.1083T>A on transcript NM_001105206.3 (MANE Select); coding-DNA position 1083, T replaced by A.
Protein change: p.Asn361Lys; replaces asparagine 361 with lysine.
Molecular consequence: missense variant.
Genome position (GRCh38, 1-based): chr6:112,178,227, A>T on the plus strand (T>A on the coding strand, the complement: LAMA4 is on the minus strand). VCF-style: chr6-112178227-A-T. GRCh37 (hg19) VCF-style: chr6-112499429-A-T.
Other names: c.1062T>A, p.Asn354Lys (NM_001105207.3, NM_002290.5); c.1062T>A (LRG_433t2); short protein forms N354K, N361K.
Identifiers: ClinVar variation 373790 (VCV000373790.1), dbSNP rs1057518612, ClinGen allele CA16042538.